The following is an entry in ClinVar:

ClinVar aggregate classification (germline): Likely benign. Review status: criteria provided, multiple submitters, no conflicts (2 of 4 stars). 4 submissions from 4 submitters: Likely benign (4). Last evaluated 2026-09-01.

Allele frequency attached by ClinVar (database versions not stated): 1000 Genomes Project 0.00040; 1000 Genomes Project 30x 0.00047; ExAC 0.00085; gnomAD exomes 0.00092 and 0.00172; gnomAD 0.00101 and 0.00103; TOPMed 0.00119; ESP Exome Variant Server 0.00161.
gnomAD v4.1: 2,620 of 1,612,564 alleles (0.16%); highest among the groups gnomAD compares: Non-Finnish European, 0.21%; 3 homozygotes.

Submissions (8):

CeGaT Center for Human Genetics Tuebingen
Classification: Likely benign. Last evaluated: 2026-09-01. Review status: criteria provided, single submitter. Criteria: CeGaT Center For Human Genetics Tuebingen Variant Classification Criteria Version 2. Collection method: clinical testing. Allele origin: germline. Affected: yes. Observed: 2 variant alleles.
Comment: IL2RB: BP4

Labcorp Genetics (formerly Invitae), Labcorp
Classification: Likely benign. Last evaluated: 2026-01-25. Review status: criteria provided, single submitter. Criteria: Invitae Variant Classification Sherloc (09022015). Collection method: clinical testing. Allele origin: germline.

Mayo Clinic Laboratories, Mayo Clinic
Classification: Likely benign. Last evaluated: 2025-11-19. Review status: criteria provided, single submitter. Criteria: ACMG Guidelines, 2015. Collection method: clinical testing. Allele origin: germline. Observed: 1 variant allele.
Comment: BS1, BP4

Blueprint Genetics
Classification: Likely benign. Last evaluated: 2024-11-25. Review status: criteria provided, single submitter. Criteria: ACMG Guidelines, 2015. Collection method: clinical testing. Allele origin: germline.

Dr. Peter K. Rogan Lab, Western University
No classification provided (evidence only). Condition: Malignant tumor of urinary bladder. Review status: no classification provided. Collection method: in vitro. Allele origin: not applicable. Functional consequence: retained intron. Not counted in ClinVar's aggregate classification.

Dr. Peter K. Rogan Lab, Western University
No classification provided (evidence only). Condition: Lung cancer. Review status: no classification provided. Collection method: in vitro. Allele origin: not applicable. Functional consequence: retained intron. Not counted in ClinVar's aggregate classification.

Dr. Peter K. Rogan Lab, Western University
No classification provided (evidence only). Condition: Gastric cancer. Review status: no classification provided. Collection method: in vitro. Allele origin: not applicable. Functional consequence: retained intron. Not counted in ClinVar's aggregate classification.

Dr. Peter K. Rogan Lab, Western University
No classification provided (evidence only). Condition: Uterine carcinosarcoma. Review status: no classification provided. Collection method: in vitro. Allele origin: not applicable. Functional consequence: retained intron. Not counted in ClinVar's aggregate classification.

Literature cited by the submitters: PubMed 32707200 (cited by Mayo Clinic Laboratories, Mayo Clinic).

NM_000878.5(IL2RB):c.949G>A (p.Gly317Ser)

Gene: IL2RB (interleukin 2 receptor subunit beta; minus strand). Cytogenetic location: 22q12.3.
Variant type: single nucleotide variant.
Coding change: c.949G>A on transcript NM_000878.5 (MANE Select); coding-DNA position 949, G replaced by A.
Protein change: p.Gly317Ser; replaces glycine 317 with serine.
Molecular consequence: missense variant.
Genome position (GRCh38, 1-based): chr22:37,128,803, C>T on the plus strand (G>A on the coding strand, the complement: IL2RB is on the minus strand). VCF-style: chr22-37128803-C-T. GRCh37 (hg19) VCF-style: chr22-37524843-C-T.
Other names: p.Gly317Ser; c.949G>A, p.Gly317Ser (NM_001346222.1, NM_001346223.2); short protein forms G317S.
Identifiers: ClinVar variation 1136009 (VCV001136009.35), dbSNP rs143857582, ClinGen allele CA10216452.
Genomic context (GRCh38, chr22:37,128,803, plus strand): 5'-GCAGCTGCGTCACCTTGTCCCTCTCCAGCACTTCTAGTGGCGAGATCTCAGGTGCCAGGC[C>T]GCCAGGGCTGAAGGACGATGAGGGGAAGGGCGAAGAGAGCCACTTCTGGTGGGAGAAAGG-3'
Protein context (NP_000869.1, residues 307-327): PFPSSSFSPG[Gly317Ser]LAPEISPLEV